The following is an entry in ClinVar:

ClinVar aggregate classification (germline): Uncertain significance (1 of 4 stars; one submission).

Conditions:
Perlman syndrome (PRLMNS). Identifiers: Orphanet 2849, MedGen C0796113, MONDO:0009965, OMIM 267000.

Submission:

Labcorp Genetics (formerly Invitae), Labcorp
Classification: Uncertain significance for Perlman syndrome. Last evaluated: 2022-07-04. Review status: criteria provided, single submitter. Criteria: Invitae Variant Classification Sherloc (09022015). Collection method: clinical testing. Allele origin: germline.
Comment: In summary, the available evidence is currently insufficient to determine the role of this variant in disease. Therefore, it has been classified as a Variant of Uncertain Significance. Algorithms developed to predict the effect of missense changes on protein structure and function output the following: SIFT: "Tolerated"; PolyPhen-2: "Benign"; Align-GVGD: "Class C0". The threonine amino acid residue is found in multiple mammalian species, which suggests that this missense change does not adversely affect protein function. This variant has not been reported in the literature in individuals affected with DIS3L2-related conditions. This variant is not present in population databases (gnomAD no frequency). This sequence change replaces alanine, which is neutral and non-polar, with threonine, which is neutral and polar, at codon 684 of the DIS3L2 protein (p.Ala684Thr).

NM_152383.5(DIS3L2):c.2050G>A (p.Ala684Thr)

Gene: DIS3L2 (DIS3 like 3'-5' exoribonuclease 2; plus strand). Cytogenetic location: 2q37.1.
Variant type: single nucleotide variant.
Coding change: c.2050G>A on transcript NM_152383.5 (MANE Select); coding-DNA position 2050, G replaced by A.
Protein change: p.Ala684Thr; replaces alanine 684 with threonine.
Molecular consequence: missense variant. On other transcripts: non-coding transcript variant (2), intron variant (1).
Genome position (GRCh38, 1-based): chr2:232,333,879, G>A. VCF-style: chr2-232333879-G-A. GRCh37 (hg19) VCF-style: chr2-233198589-G-A.
Other names: c.1582-9466G>A (NM_001257281.2); short protein forms A684T.
Identifiers: ClinVar variation 2000959 (VCV002000959.4), dbSNP rs2469446383, ClinGen allele CA350977372.
Genomic context (GRCh38, chr2:232,333,879, plus strand): 5'-CTGACCCATCCCGTCCCGCAGATGGCACTGTACTTCTGCTCGGGGCTGCTGCAGGACCCA[G>A]CGCAGTTCCGGCACTACGCGCTCAATGTGCCCCTGTACACACACTTCACCTCGCCCATCC-3'
Protein context (NP_689596.4, residues 674-694): YFCSGLLQDP[Ala684Thr]QFRHYALNVP